The following is an entry in ClinVar:

ClinVar aggregate classification (germline): Likely benign (1 of 4 stars; one submission).

Allele frequency attached by ClinVar (database versions not stated): ExAC 0.00009; TOPMed 0.00015; gnomAD 0.00016; ESP Exome Variant Server 0.00062.
gnomAD v4.1: 312 of 1,613,824 alleles (0.019%); highest among the groups gnomAD compares: Non-Finnish European, 0.023%; no homozygotes.

Submission:

CeGaT Center for Human Genetics Tuebingen
Classification: Likely benign. Last evaluated: 2024-01-01. Review status: criteria provided, single submitter. Criteria: CeGaT Center For Human Genetics Tuebingen Variant Classification Criteria Version 2. Collection method: clinical testing. Allele origin: germline. Affected: yes. Observed: 1 variant allele.
Comment: ATXN1: BP4, BP7

NM_001128164.2(ATXN1):c.1128G>A (p.Ser376=)

Gene: ATXN1 (ataxin 1; minus strand). Cytogenetic location: 6p22.3.
Variant type: single nucleotide variant.
Coding change: c.1128G>A on transcript NM_001128164.2 (MANE Select); coding-DNA position 1128, G replaced by A.
Protein change: p.Ser376=; no amino-acid change (serine 376 retained).
Molecular consequence: synonymous variant. On other transcripts: 3 prime UTR variant (1).
Genome position (GRCh38, 1-based): chr6:16,327,183, C>T on the plus strand (G>A on the coding strand, the complement: ATXN1 is on the minus strand). VCF-style: chr6-16327183-C-T. GRCh37 (hg19) VCF-style: chr6-16327414-C-T.
Other names: c.1128G>A, p.Ser376= (NM_000332.4); c.*541G>A (NM_001357857.2).
Identifiers: ClinVar variation 3024947 (VCV003024947.22), dbSNP rs142404162, ClinGen allele CA3645402.
Genomic context (GRCh38, chr6:16,327,183, plus strand): 5'-CTCCAGGTCAGCTGCGGGCGTGTTGCTGTTGGGCAGGACCATCACAGAGGCCCGGACCCC[C>T]GAAGGATCACGACTGCTGTAGTCTGAGGGGCTCGGGTGGACCACCACGTGCCTGGACTCG-3'
Protein context (NP_001121636.1, residues 366-386): SPSDYSSRDP[Ser376=]GVRASVMVLP